The following is an entry in ClinVar:

NM_001458.5(FLNC):c.5320C>T (p.Pro1774Ser)

Genes: FLNC (filamin C; plus strand), FLNC-AS1 (FLNC antisense RNA 1; minus strand). Cytogenetic location: 7q32.1.
Variant type: single nucleotide variant.
Coding change: c.5320C>T on transcript NM_001458.5 (MANE Select); coding-DNA position 5320, C replaced by T.
Protein change: p.Pro1774Ser; replaces proline 1774 with serine.
Molecular consequence: missense variant. On other transcripts: non-coding transcript variant (1).
Genome position (GRCh38, 1-based): chr7:128,850,405, C>T. VCF-style: chr7-128850405-C-T. GRCh37 (hg19) VCF-style: chr7-128490459-C-T.
Other names: c.5221C>T, p.Pro1741Ser (NM_001127487.2); short protein forms P1741S, P1774S.
Identifiers: ClinVar variation 1021771 (VCV001021771.8), dbSNP rs370823820, ClinGen allele CA166186532.

ClinVar aggregate classification (germline): Uncertain significance (1 of 4 stars; one submission).

Conditions:
Distal myopathy with posterior leg and anterior hand involvement. Also called: WILLIAMS DISTAL MYOPATHY. Identifiers: Orphanet 63273, MedGen C3279722, MONDO:0013550, OMIM 614065.
Hypertrophic cardiomyopathy 26. Also called: Cardiomyopathy, familial hypertrophic, 26. Identifiers: Orphanet 75249, MedGen C4310749, MONDO:0014883, OMIM 617047.
Myofibrillar myopathy 5. Also called: FILAMINOPATHY, AUTOSOMAL DOMINANT; Filaminopathy (type). Identifiers: Orphanet 171445, MedGen C1836050, MONDO:0012289, OMIM 609524.

Allele frequency attached by ClinVar (database versions not stated): gnomAD exomes below 0.00001; gnomAD 0.00001; TOPMed 0.00001; ESP Exome Variant Server 0.00008.
gnomAD v4.1: 3 of 1,613,828 alleles (0.00019%); highest among the groups gnomAD compares: Non-Finnish European, 0.00025%; no homozygotes.

Submission:

Labcorp Genetics (formerly Invitae), Labcorp
Classification: Uncertain significance for Distal myopathy with posterior leg and anterior hand involvement; Myofibrillar myopathy 5; Hypertrophic cardiomyopathy 26. Last evaluated: 2024-09-11. Review status: criteria provided, single submitter. Criteria: Invitae Variant Classification Sherloc (09022015). Collection method: clinical testing. Allele origin: germline.
Comment: This sequence change replaces proline, which is neutral and non-polar, with serine, which is neutral and polar, at codon 1774 of the FLNC protein (p.Pro1774Ser). This variant is not present in population databases (gnomAD no frequency). This variant has not been reported in the literature in individuals affected with FLNC-related conditions. ClinVar contains an entry for this variant (Variation ID: 1021771). Invitae Evidence Modeling of protein sequence and biophysical properties (such as structural, functional, and spatial information, amino acid conservation, physicochemical variation, residue mobility, and thermodynamic stability) has been performed for this missense variant. However, the output from this modeling did not meet the statistical confidence thresholds required to predict the impact of this variant on FLNC protein function. In summary, the available evidence is currently insufficient to determine the role of this variant in disease. Therefore, it has been classified as a Variant of Uncertain Significance.